The following is an entry in ClinVar:

ClinVar aggregate classification (germline): Uncertain significance (1 of 4 stars; one submission).

Conditions:
Hereditary pheochromocytoma and paraganglioma. Also called: Hereditary Paraganglioma-Pheochromocytoma Syndromes; Hereditary pheochromocytoma-paraganglioma; Hereditary paragangliomas and pheochromocytomas. Identifiers: Orphanet 29072, MedGen C4274332, MONDO:0017366.

Submission:

All of Us Research Program, National Institutes of Health
Classification: Uncertain significance for Hereditary pheochromocytoma and paraganglioma. Last evaluated: 2024-04-16. Review status: criteria provided, single submitter. Criteria: ACMG Guidelines, 2015. Collection method: clinical testing. Allele origin: germline. Inheritance: Autosomal dominant inheritance. Observed: 1 variant allele, 1 heterozygote.
Comment: This missense variant replaces serine with cysteine at codon 113 of the SDHAF2 protein. Computational prediction suggests that this variant may have deleterious impact on protein structure and function (internally defined REVEL score threshold >= 0.7, PMID: 27666373). To our knowledge, functional studies have not been reported for this variant. This variant has not been reported in individuals affected with SDHAF2-related disorders in the literature. This variant has not been identified in the general population by the Genome Aggregation Database (gnomAD). The available evidence is insufficient to determine the role of this variant in disease conclusively. Therefore, this variant is classified as a Variant of Uncertain Significance.

This study involves interpretation of variants in research participants for the purpose of population health screening. Participant phenotype was not available at the time of variant classification. Additional details can be found in publication PMID: 35346344, PMCID: PMC8962531

NM_017841.4(SDHAF2):c.337A>T (p.Ser113Cys)

Gene: SDHAF2 (succinate dehydrogenase complex assembly factor 2; plus strand). Cytogenetic location: 11q12.2.
Variant type: single nucleotide variant.
Coding change: c.337A>T on transcript NM_017841.4 (MANE Select); coding-DNA position 337, A replaced by T.
Protein change: p.Ser113Cys; replaces serine 113 with cysteine.
Molecular consequence: missense variant.
Genome position (GRCh38, 1-based): chr11:61,438,080, A>T. VCF-style: chr11-61438080-A-T. GRCh37 (hg19) VCF-style: chr11-61205552-A-T.
Other names: short protein forms S113C.
Identifiers: ClinVar variation 3385983 (VCV003385983.1).
Genomic context (GRCh38, chr11:61,438,080, plus strand): 5'-CATCTGCAGCACATGACAGAAAAGCAGCTGAACCTCTATGACCGCCTGATTAACGAGCCT[A>T]GTAATGACTGGGATATTTACTACTGGGCCACAGGTACTGGGTATGATAAGCAGCATAATG-3'
Protein context (NP_060311.1, residues 103-123): NLYDRLINEP[Ser113Cys]NDWDIYYWAT